The following is an entry in ClinVar:

NM_145166.4(ZBTB47):c.811G>C (p.Gly271Arg)

Gene: ZBTB47 (zinc finger and BTB domain containing 47; plus strand). Cytogenetic location: 3p22.1.
Variant type: single nucleotide variant.
Coding change: c.811G>C on transcript NM_145166.4 (MANE Select); coding-DNA position 811, G replaced by C.
Protein change: p.Gly271Arg; replaces glycine 271 with arginine.
Molecular consequence: missense variant.
Genome position (GRCh38, 1-based): chr3:42,659,166, G>C. VCF-style: chr3-42659166-G-C. GRCh37 (hg19) VCF-style: chr3-42700658-G-C.
Other names: c.895G>C, p.Gly299Arg (NM_001410746.1); short protein forms G271R, G299R.
Identifiers: ClinVar variation 3192150 (VCV003192150.5), dbSNP rs751396719, ClinGen allele CA2336226.

ClinVar aggregate classification (germline): Conflicting classifications of pathogenicity. Review status: criteria provided, conflicting classifications (1 of 4 stars). 2 submissions from 2 submitters: Uncertain significance (1); Likely benign (1). Last evaluated 2026-01-01.

Allele frequency attached by ClinVar (database versions not stated): ExAC 0.00011.
gnomAD v4.1: 229 of 1,519,788 alleles (0.015%); highest among the groups gnomAD compares: Admixed American, 0.026%; no homozygotes.

Submissions (2):

CeGaT Center for Human Genetics Tuebingen
Classification: Likely benign. Last evaluated: 2026-01-01. Review status: criteria provided, single submitter. Criteria: CeGaT Center For Human Genetics Tuebingen Variant Classification Criteria Version 2. Collection method: clinical testing. Allele origin: germline. Affected: yes. Observed: 2 variant alleles.
Comment: ZBTB47: BS2

Ambry Genetics
Classification: Uncertain significance. Last evaluated: 2024-02-27. Review status: criteria provided, single submitter. Criteria: Ambry Variant Classification Scheme 2023. Collection method: clinical testing. Allele origin: germline.